The following is an entry in ClinVar:

NM_017763.6(RNF43):c.997C>T (p.Gln333Ter)

Gene: RNF43 (ring finger protein 43; minus strand). Cytogenetic location: 17q22.
Variant type: single nucleotide variant.
Coding change: c.997C>T on transcript NM_017763.6 (MANE Select); coding-DNA position 997, C replaced by T.
Protein change: p.Gln333Ter; replaces glutamine 333 with a stop codon.
Molecular consequence: nonsense.
Genome position (GRCh38, 1-based): chr17:58,358,779, G>A on the plus strand (C>T on the coding strand, the complement: RNF43 is on the minus strand). VCF-style: chr17-58358779-G-A. GRCh37 (hg19) VCF-style: chr17-56436140-G-A.
Other names: c.997C>T, p.Gln333Ter (NM_001305544.3, NM_001438820.1, NM_001438821.1 and 1 more transcripts); c.616C>T, p.Gln206Ter (NM_001305545.2, NM_001437987.1); short protein forms Q206*, Q333*.
Identifiers: ClinVar variation 4812958 (VCV004812958.1).

ClinVar aggregate classification (germline): Pathogenic (1 of 4 stars; one submission).

Conditions:
Sessile serrated polyposis cancer syndrome (SSPCS). Identifiers: Orphanet 157798, MedGen C4310714, MONDO:0014919, OMIM 617108.

Submission:

Myriad Genetics, Inc.
Classification: Pathogenic for Sessile serrated polyposis cancer syndrome. Last evaluated: 2025-12-15. Review status: criteria provided, single submitter. Criteria: Myriad Autosomal Dominant, Autosomal Recessive and X-Linked Classification Criteria (2023). Collection method: clinical testing. Allele origin: unknown.
Comment: This variant is considered pathogenic. This variant creates a termination codon and is predicted to result in premature protein truncation.